The following is an entry in ClinVar:

NM_000626.4(CD79B):c.523G>A (p.Val175Met)

Genes: CD79B (CD79b molecule; minus strand), GH-LCR (growth hormone locus control region; plus strand). Cytogenetic location: 17q23.3.
Variant type: single nucleotide variant.
Coding change: c.523G>A on transcript NM_000626.4 (MANE Select); coding-DNA position 523, G replaced by A.
Protein change: p.Val175Met; replaces valine 175 with methionine.
Molecular consequence: missense variant.
Genome position (GRCh38, 1-based): chr17:63,929,796, C>T on the plus strand (G>A on the coding strand, the complement: CD79B is on the minus strand). VCF-style: chr17-63929796-C-T. GRCh37 (hg19) VCF-style: chr17-62007156-C-T.
Other names: c.526G>A, p.Val176Met (NM_001039933.3); c.214G>A, p.Val72Met (NM_001329050.2); c.211G>A, p.Val71Met (NM_021602.4); c.523G>A (NM_000626.3); short protein forms V72M, V175M, V176M, V71M.
Identifiers: ClinVar variation 2168046 (VCV002168046.5), dbSNP rs148032848, ClinGen allele CA292948421.

ClinVar aggregate classification (germline): Uncertain significance. Review status: criteria provided, multiple submitters, no conflicts (2 of 4 stars). 2 submissions from 2 submitters: Uncertain significance (2). Last evaluated 2023-02-28.

Conditions:
CD79B-related disorder. Also called: CD79B-related condition.
Agammaglobulinemia 6, autosomal recessive (AGM6). Also called: AGAMMAGLOBULINEMIA, AUTOSOMAL RECESSIVE, DUE TO CD79B DEFECT; AGAMMAGLOBULINEMIA 6. Identifiers: MedGen C3150207, MONDO:0012987, OMIM 612692.

Allele frequency attached by ClinVar (database versions not stated): gnomAD 0.00001; gnomAD exomes 0.00001; TOPMed 0.00001; ESP Exome Variant Server 0.00008.
gnomAD v4.1: 9 of 1,611,650 alleles (0.00056%); highest among the groups gnomAD compares: East Asian, 0.0022%; no homozygotes.

Submissions (2):

PreventionGenetics, part of Exact Sciences
Classification: Uncertain significance for CD79B-related condition. Last evaluated: 2023-02-28. Review status: criteria provided, single submitter. Criteria: ACMG Guidelines, 2015. Collection method: clinical testing. Allele origin: germline.
Comment: The CD79B c.523G>A variant is predicted to result in the amino acid substitution p.Val175Met. To our knowledge, this variant has not been reported in the literature or in a large population database, indicating this variant is rare. At this time, the clinical significance of this variant is uncertain due to the absence of conclusive functional and genetic evidence.

Labcorp Genetics (formerly Invitae), Labcorp
Classification: Uncertain significance for Agammaglobulinemia 6, autosomal recessive. Last evaluated: 2022-06-14. Review status: criteria provided, single submitter. Criteria: Invitae Variant Classification Sherloc (09022015). Collection method: clinical testing. Allele origin: germline.
Comment: This variant has not been reported in the literature in individuals affected with CD79B-related conditions. In summary, the available evidence is currently insufficient to determine the role of this variant in disease. Therefore, it has been classified as a Variant of Uncertain Significance. Algorithms developed to predict the effect of missense changes on protein structure and function are either unavailable or do not agree on the potential impact of this missense change (SIFT: "Not Available"; PolyPhen-2: "Probably Damaging"; Align-GVGD: "Not Available"). This variant is not present in population databases (gnomAD no frequency). This sequence change replaces valine, which is neutral and non-polar, with methionine, which is neutral and non-polar, at codon 175 of the CD79B protein (p.Val175Met).